The following is an entry in ClinVar:

ClinVar aggregate classification (germline): Uncertain significance (1 of 4 stars; one submission).

gnomAD v4.1: 2 of 1,613,390 alleles (0.00012%); highest among the groups gnomAD compares: Non-Finnish European, 0.00017%; no homozygotes.

Submission:

Labcorp Genetics (formerly Invitae), Labcorp
Classification: Uncertain significance. Last evaluated: 2025-12-15. Review status: criteria provided, single submitter. Criteria: Invitae Variant Classification Sherloc (09022015). Collection method: clinical testing. Allele origin: germline.
Comment: This sequence change replaces alanine, which is neutral and non-polar, with threonine, which is neutral and polar, at codon 549 of the FCHO1 protein (p.Ala549Thr). This variant is not present in population databases (gnomAD no frequency). This variant has not been reported in the literature in individuals affected with FCHO1-related conditions. An algorithm developed to predict the effect of missense changes on protein structure and function outputs the following: PolyPhen-2: "Benign". The threonine amino acid residue is found in multiple mammalian species, which suggests that this missense change does not adversely affect protein function. In summary, the available evidence is currently insufficient to determine the role of this variant in disease. Therefore, it has been classified as a Variant of Uncertain Significance.

NM_015122.3(FCHO1):c.1645G>A (p.Ala549Thr)

Gene: FCHO1 (FCH and mu domain containing endocytic adaptor 1; plus strand). Cytogenetic location: 19p13.11.
Variant type: single nucleotide variant.
Coding change: c.1645G>A on transcript NM_015122.3 (MANE Select); coding-DNA position 1645, G replaced by A.
Protein change: p.Ala549Thr; replaces alanine 549 with threonine.
Molecular consequence: missense variant. On other transcripts: non-coding transcript variant (36).
Genome position (GRCh38, 1-based): chr19:17,781,248, G>A. VCF-style: chr19-17781248-G-A. GRCh37 (hg19) VCF-style: chr19-17892057-G-A.
Other names: c.1645G>A, p.Ala549Thr (NM_001161357.2, NM_001161358.2, NM_001384370.1 and 13 more transcripts); c.1495G>A, p.Ala499Thr (NM_001161359.2, NM_001384384.1, NM_001384385.1 and 1 more transcripts); c.1606G>A, p.Ala536Thr (NM_001384388.1, NM_001384389.1, NM_001384405.1); c.1570G>A, p.Ala524Thr (NM_001384390.1); c.1528G>A, p.Ala510Thr (NM_001384392.1, NM_001384393.1, NM_001384394.1 and 1 more transcripts); c.1369G>A, p.Ala457Thr (NM_001384396.1, NM_001384397.1, NM_001384398.1 and 5 more transcripts); c.1324G>A, p.Ala442Thr (NM_001384403.1); c.1219G>A, p.Ala407Thr (NM_001384406.1); and 1 more; short protein forms A442T, A457T, A510T, A524T, A359T, A536T, A407T, A499T.
Identifiers: ClinVar variation 4710151 (VCV004710151.1).